The following is an entry in ClinVar:

NM_022788.5(P2RY12):c.326A>T (p.Tyr109Phe)

Genes: MED12L (mediator complex subunit 12L; plus strand), P2RY12 (purinergic receptor P2Y12; minus strand). Cytogenetic location: 3q25.1.
Variant type: single nucleotide variant.
Coding change: c.326A>T on transcript NM_022788.5 (MANE Select); coding-DNA position 326, A replaced by T.
Protein change: p.Tyr109Phe; replaces tyrosine 109 with phenylalanine.
Molecular consequence: missense variant. On other transcripts: intron variant (2).
Genome position (GRCh38, 1-based): chr3:151,338,520, T>A on the plus strand (A>T on the coding strand, the complement: P2RY12 is on the minus strand). VCF-style: chr3-151338520-T-A. GRCh37 (hg19) VCF-style: chr3-151056308-T-A.
Other names: p.Tyr109Phe; c.326A>T, p.Tyr109Phe (NM_176876.3); c.2251-11539T>A (NM_001393769.1); c.2146-11539T>A (NM_053002.6); short protein forms Y109F.
Identifiers: ClinVar variation 4075415 (VCV004075415.1).

ClinVar aggregate classification (germline): Uncertain significance (1 of 4 stars; one submission).

Conditions:
Platelet-type bleeding disorder 8 (BDPLT8). Also called: BLEEDING DISORDER DUE TO P2RY12 DEFECT; Bleeding disorder due to p2rx1 defect, somatic. Identifiers: Orphanet 36355, MedGen C1853278, MONDO:0012354, OMIM 609821.

Submission:

Department of Molecular Genetics, Istishari Arab Hospital
Classification: Uncertain significance for Platelet-type bleeding disorder 8. Last evaluated: 2025-08-17. Review status: criteria provided, single submitter. Criteria: ACMG Guidelines, 2015. Collection method: clinical testing. Allele origin: germline. Inheritance: Autosomal recessive inheritance. Affected: yes.
Comment: The P2RY12 variant c.326A>T p.Tyr109Phe causes an amino acid change from Tyr to Phe at position 109. To the best of our knowledge, this variant was not previously reported in literature. It is classified as variant of uncertain significance (class 3) according to the recommendations of ACMG/AMP/ClinGen SVI guidelines.